The following is an entry in ClinVar:

NM_004655.4(AXIN2):c.2181G>A (p.Ser727=)

Gene: AXIN2 (axin 2; minus strand). Cytogenetic location: 17q24.1.
Variant type: single nucleotide variant.
Coding change: c.2181G>A on transcript NM_004655.4 (MANE Select); coding-DNA position 2181, G replaced by A.
Protein change: p.Ser727=; no amino-acid change (serine 727 retained).
Molecular consequence: synonymous variant.
Genome position (GRCh38, 1-based): chr17:65,535,682, C>T on the plus strand (G>A on the coding strand, the complement: AXIN2 is on the minus strand). VCF-style: chr17-65535682-C-T. GRCh37 (hg19) VCF-style: chr17-63531800-C-T.
Other names: c.1986G>A, p.Ser662= (NM_001363813.1).
Identifiers: ClinVar variation 741747 (VCV000741747.15), dbSNP rs1227518579, ClinGen allele CA501476107.
Genomic context (GRCh38, chr17:65,535,682, plus strand): 5'-TCACTCTTCTGGAGCCAGGCTTGGATTGGAGAAGGGTGTGGCTCCCGTCTGAACAGTGGC[C>T]GAATGATTCCTGTCCCTCTGCTGACTGGCCACACAGCACCTGAGGACACAGCCAGGGCGA-3'
Protein context (NP_004646.3, residues 717-737): VASQQRDRNH[Ser727=]ATVQTGATPF

ClinVar aggregate classification (germline): Benign/Likely benign. Review status: criteria provided, multiple submitters, no conflicts (2 of 4 stars). 4 submissions from 4 submitters: Benign (1); Likely benign (3). Last evaluated 2025-11-17.

Conditions:
AXIN2-related disorder.
Hereditary cancer-predisposing syndrome. Also called: Hereditary neoplastic syndrome; Neoplastic Syndromes, Hereditary; Hereditary Cancer Syndrome; Tumor predisposition. Identifiers: Orphanet 140162, MedGen C0027672, MeSH D009386, MONDO:0015356.
Oligodontia-cancer predisposition syndrome. Also called: TOOTH AGENESIS-COLORECTAL CANCER SYNDROME. Identifiers: Orphanet 300576, MedGen C1837750, MONDO:0012075, OMIM 608615. Disease mechanism: loss of function.

Allele frequency attached by ClinVar (database versions not stated): gnomAD exomes below 0.00001.
gnomAD v4.1: 10 of 1,614,136 alleles (0.00062%); highest among the groups gnomAD compares: Admixed American, 0.0017%; no homozygotes.

Submissions (4):

Labcorp Genetics (formerly Invitae), Labcorp
Classification: Likely benign for Oligodontia-cancer predisposition syndrome. Last evaluated: 2025-11-17. Review status: criteria provided, single submitter. Criteria: Invitae Variant Classification Sherloc (09022015). Collection method: clinical testing. Allele origin: germline.

PreventionGenetics, part of Exact Sciences
Classification: Likely benign for AXIN2-related condition. Last evaluated: 2025-05-19. Review status: criteria provided, single submitter. Criteria: ACMG Guidelines, 2015. Collection method: clinical testing. Allele origin: germline.
Comment: This variant is classified as likely benign based on ACMG/AMP sequence variant interpretation guidelines (Richards et al. 2015 PMID: 25741868, with internal and published modifications).

Myriad Genetics, Inc.
Classification: Benign for Oligodontia-cancer predisposition syndrome. Last evaluated: 2024-07-10. Review status: criteria provided, single submitter. Criteria: Myriad Autosomal Dominant, Autosomal Recessive and X-Linked Classification Criteria (2023). Collection method: clinical testing. Allele origin: unknown.
Comment: This variant is considered benign. This variant is a silent/synonymous amino acid change and it is not expected to impact splicing.

Ambry Genetics
Classification: Likely benign for Hereditary cancer-predisposing syndrome. Last evaluated: 2020-10-19. Review status: criteria provided, single submitter. Criteria: Ambry Variant Classification Scheme 2023. Collection method: clinical testing. Allele origin: germline.